The following is an entry in ClinVar:

NM_001111125.3(IQSEC2):c.628T>A (p.Ser210Thr)

Gene: IQSEC2 (IQ motif and Sec7 domain ArfGEF 2; minus strand). Cytogenetic location: Xp11.22.
Variant type: single nucleotide variant.
Coding change: c.628T>A on transcript NM_001111125.3 (MANE Select); coding-DNA position 628, T replaced by A.
Protein change: p.Ser210Thr; replaces serine 210 with threonine.
Molecular consequence: missense variant.
Genome position (GRCh38, 1-based): chrX:53,320,496, A>T on the plus strand (T>A on the coding strand, the complement: IQSEC2 is on the minus strand). VCF-style: chrX-53320496-A-T. GRCh37 (hg19) VCF-style: chrX-53349694-A-T.
Other names: c.628T>A (NM_001111125.1); c.628T>A, p.Ser210Thr (NM_001410736.1); short protein forms S210T.
Identifiers: ClinVar variation 2009348 (VCV002009348.5), dbSNP rs1316312798, ClinGen allele CA413238945.

ClinVar aggregate classification (germline): Uncertain significance. Review status: criteria provided, multiple submitters, no conflicts (2 of 4 stars). 2 submissions from 2 submitters: Uncertain significance (2). Last evaluated 2025-07-19.

Conditions:
Intellectual developmental disorder, X-linked 1. Also called: Atkin Flaitz Patil Smith syndrome; MENTAL RETARDATION, X-LINKED 18; MENTAL RETARDATION, X-LINKED 78; Intellectual disability, X-linked 1. Identifiers: Orphanet 777, MedGen C2931498, MONDO:0010656, OMIM 309530.

Allele frequency attached by ClinVar (database versions not stated): TOPMed 0.00001.

Submissions (2):

GeneDx
Classification: Uncertain significance. Last evaluated: 2025-07-19. Review status: criteria provided, single submitter. Criteria: GeneDx Variant Classification Process June 2021. Collection method: clinical testing. Allele origin: germline. Affected: yes.
Comment: Not observed at significant frequency in large population cohorts (gnomAD); In silico analysis suggests that this missense variant does not alter protein structure/function; Has not been previously published as pathogenic or benign to our knowledge

Labcorp Genetics (formerly Invitae), Labcorp
Classification: Uncertain significance for Intellectual developmental disorder, X-linked 1. Last evaluated: 2022-08-02. Review status: criteria provided, single submitter. Criteria: Invitae Variant Classification Sherloc (09022015). Collection method: clinical testing. Allele origin: germline.
Comment: In summary, the available evidence is currently insufficient to determine the role of this variant in disease. Therefore, it has been classified as a Variant of Uncertain Significance. This variant has not been reported in the literature in individuals affected with IQSEC2-related conditions. Advanced modeling of protein sequence and biophysical properties (such as structural, functional, and spatial information, amino acid conservation, physicochemical variation, residue mobility, and thermodynamic stability) performed at Invitae indicates that this missense variant is not expected to disrupt IQSEC2 protein function. This sequence change replaces serine, which is neutral and polar, with threonine, which is neutral and polar, at codon 210 of the IQSEC2 protein (p.Ser210Thr). This variant is not present in population databases (gnomAD no frequency).